The following is an entry in ClinVar:

NM_014991.6(WDFY3):c.6981A>G (p.Lys2327=)

Gene: WDFY3 (WD repeat and FYVE domain containing 3; minus strand). Cytogenetic location: 4q21.23.
Variant type: single nucleotide variant.
Coding change: c.6981A>G on transcript NM_014991.6 (MANE Select); coding-DNA position 6981, A replaced by G.
Protein change: p.Lys2327=; no amino-acid change (lysine 2327 retained).
Molecular consequence: synonymous variant.
Genome position (GRCh38, 1-based): chr4:84,735,055, T>C on the plus strand (A>G on the coding strand, the complement: WDFY3 is on the minus strand). VCF-style: chr4-84735055-T-C. GRCh37 (hg19) VCF-style: chr4-85656208-T-C.
Identifiers: ClinVar variation 3058482 (VCV003058482.2), dbSNP rs751235341, ClinGen allele CA2992733.

ClinVar aggregate classification (germline): Likely benign (0 of 4 stars; one submission).

Conditions:
WDFY3-related disorder.

Allele frequency attached by ClinVar (database versions not stated): gnomAD exomes 0.00002; TOPMed 0.00002; ExAC 0.00005.
gnomAD v4.1: 12 of 1,612,636 alleles (0.00074%); highest among the groups gnomAD compares: Admixed American, 0.02%; no homozygotes.

Submission:

PreventionGenetics, part of Exact Sciences
Classification: Likely benign for WDFY3-related condition. Last evaluated: 2023-12-05. Review status: no assertion criteria provided. Collection method: clinical testing. Allele origin: germline.
Comment: This variant is classified as likely benign based on ACMG/AMP sequence variant interpretation guidelines (Richards et al. 2015 PMID: 25741868, with internal and published modifications).